The following is an entry in ClinVar:

NM_178452.6(DNAAF1):c.1096C>T (p.Pro366Ser)

Gene: DNAAF1 (dynein axonemal assembly factor 1; plus strand). Cytogenetic location: 16q24.1.
Variant type: single nucleotide variant.
Coding change: c.1096C>T on transcript NM_178452.6 (MANE Select); coding-DNA position 1096, C replaced by T.
Protein change: p.Pro366Ser; replaces proline 366 with serine.
Molecular consequence: missense variant.
Genome position (GRCh38, 1-based): chr16:84,169,924, C>T. VCF-style: chr16-84169924-C-T. GRCh37 (hg19) VCF-style: chr16-84203530-C-T.
Other names: c.388C>T, p.Pro130Ser (NM_001318756.1); short protein forms P366S, P130S.
Identifiers: ClinVar variation 3272508 (VCV003272508.2).
Genomic context (GRCh38, chr16:84,169,924, plus strand): 5'-ATGACATCTTCAGATGATGGTGAGAATGTGCCCGCCAGTGCGGAAGGCAAGGAGGAGCCT[C>T]CCGGGGACAGAGAAACAAGGCAGAAGATGGAGCTATTTGTTAAGGAAAGCTTTGAGGCCA-3'
Protein context (NP_848547.4, residues 356-376): PASAEGKEEP[Pro366Ser]GDRETRQKME

ClinVar aggregate classification (germline): Uncertain significance. Review status: criteria provided, multiple submitters, no conflicts (2 of 4 stars). 2 submissions from 2 submitters: Uncertain significance (2). Last evaluated 2025-08-11.

Conditions:
Primary ciliary dyskinesia. Also called: Ciliary dyskinesia. Identifiers: Orphanet 244, MedGen C0008780, MONDO:0016575, HP:0012265.

Submissions (2):

Labcorp Genetics (formerly Invitae), Labcorp
Classification: Uncertain significance for Primary ciliary dyskinesia. Last evaluated: 2025-08-11. Review status: criteria provided, single submitter. Criteria: Invitae Variant Classification Sherloc (09022015). Collection method: clinical testing. Allele origin: germline.
Comment: This sequence change replaces proline, which is neutral and non-polar, with serine, which is neutral and polar, at codon 366 of the DNAAF1 protein (p.Pro366Ser). This variant is not present in population databases (gnomAD no frequency). This variant has not been reported in the literature in individuals affected with DNAAF1-related conditions. ClinVar contains an entry for this variant (Variation ID: 3272508). An algorithm developed to predict the effect of missense changes on protein structure and function (PolyPhen-2) suggests that this variant is likely to be tolerated. In summary, the available evidence is currently insufficient to determine the role of this variant in disease. Therefore, it has been classified as a Variant of Uncertain Significance.

Ambry Genetics
Classification: Uncertain significance for Primary ciliary dyskinesia. Last evaluated: 2024-05-08. Review status: criteria provided, single submitter. Criteria: Ambry Variant Classification Scheme 2023. Collection method: clinical testing. Allele origin: germline.